The following is an entry in ClinVar:

NM_000642.3(AGL):c.1899G>T (p.Val633=)

Gene: AGL (amylo-alpha-1,6-glucosidase and 4-alpha-glucanotransferase; plus strand). Cytogenetic location: 1p21.2.
Variant type: single nucleotide variant.
Coding change: c.1899G>T on transcript NM_000642.3 (MANE Select); coding-DNA position 1899, G replaced by T.
Protein change: p.Val633=; no amino-acid change (valine 633 retained).
Molecular consequence: synonymous variant.
Genome position (GRCh38, 1-based): chr1:99,880,795, G>T. VCF-style: chr1-99880795-G-T. GRCh37 (hg19) VCF-style: chr1-100346351-G-T.
Other names: c.1899G>T, p.Val633= (NM_000028.3, NM_000643.3, NM_000644.3 and 2 more transcripts); c.1851G>T, p.Val617= (NM_000646.3); c.1698G>T, p.Val566= (NM_001425327.1); c.1695G>T, p.Val565= (NM_001425328.1, NM_001425329.1); c.1521G>T, p.Val507= (NM_001425332.1).
Identifiers: ClinVar variation 1445294 (VCV001445294.6), dbSNP rs2101149424, ClinGen allele CA419081283.

ClinVar aggregate classification (germline): Uncertain significance (1 of 4 stars; one submission).

Conditions:
Glycogen storage disease type III (GSD3). Also called: FORBES DISEASE; Cori disease. Identifiers: Orphanet 366, MedGen C0017922, MONDO:0009291, OMIM 232400.

Submission:

Labcorp Genetics (formerly Invitae), Labcorp
Classification: Uncertain significance for Glycogen storage disease type III. Last evaluated: 2021-03-24. Review status: criteria provided, single submitter. Criteria: Invitae Variant Classification Sherloc (09022015). Collection method: clinical testing. Allele origin: germline.
Comment: This sequence change affects codon 633 of the AGL mRNA. It is a 'silent' change, meaning that it does not change the encoded amino acid sequence of the AGL protein. This variant also falls at the last nucleotide of exon 14, which is part of the consensus splice site for this exon. This variant is not present in population databases (ExAC no frequency). This variant has not been reported in the literature in individuals with AGL-related conditions. Nucleotide substitutions within the consensus splice site are a relatively common cause of aberrant splicing (PMID: 17576681, 9536098). Algorithms developed to predict the effect of sequence changes on RNA splicing suggest that this variant may disrupt the consensus splice site, but this prediction has not been confirmed by published transcriptional studies. In summary, the available evidence is currently insufficient to determine the role of this variant in disease. Therefore, it has been classified as a Variant of Uncertain Significance.

Literature cited by the submitters: PubMed 17576681; PubMed 9536098.